The following is an entry in ClinVar:

ClinVar aggregate classification (germline): Uncertain significance (1 of 4 stars; one submission).

Submission:

Labcorp Genetics (formerly Invitae), Labcorp
Classification: Uncertain significance. Last evaluated: 2023-11-27. Review status: criteria provided, single submitter. Criteria: Invitae Variant Classification Sherloc (09022015). Collection method: clinical testing. Allele origin: germline.
Comment: This sequence change replaces proline with serine at codon 44 of the TM4SF20 protein (p.Pro44Ser). The proline residue is highly conserved and there is a moderate physicochemical difference between proline and serine. This variant is not present in population databases (gnomAD no frequency). This variant has not been reported in the literature in individuals affected with TM4SF20-related conditions. ClinVar contains an entry for this variant (Variation ID: 1472274). An algorithm developed to predict the effect of missense changes on protein structure and function (PolyPhen-2) suggests that this variant is likely to be disruptive. In summary, the available evidence is currently insufficient to determine the role of this variant in disease. Therefore, it has been classified as a Variant of Uncertain Significance.

NM_024795.4(TM4SF20):c.130C>T (p.Pro44Ser)

Gene: TM4SF20 (transmembrane 4 L six family member 20; minus strand). Cytogenetic location: 2q36.3.
Variant type: single nucleotide variant.
Coding change: c.130C>T on transcript NM_024795.4 (MANE Select); coding-DNA position 130, C replaced by T.
Protein change: p.Pro44Ser; replaces proline 44 with serine.
Molecular consequence: missense variant.
Genome position (GRCh38, 1-based): chr2:227,379,139, G>A on the plus strand (C>T on the coding strand, the complement: TM4SF20 is on the minus strand). VCF-style: chr2-227379139-G-A. GRCh37 (hg19) VCF-style: chr2-228243855-G-A.
Other names: short protein forms P44S.
Identifiers: ClinVar variation 1472274 (VCV001472274.6), dbSNP rs2106497649, ClinGen allele CA350867112.